The following is an entry in ClinVar:

NM_001384140.1(PCDH15):c.2088T>C (p.Asp696=)

Gene: PCDH15 (protocadherin related 15; minus strand). Cytogenetic location: 10q21.1.
Variant type: single nucleotide variant.
Coding change: c.2088T>C on transcript NM_001384140.1 (MANE Select); coding-DNA position 2088, T replaced by C.
Protein change: p.Asp696=; no amino-acid change (aspartic acid 696 retained).
Molecular consequence: synonymous variant.
Genome position (GRCh38, 1-based): chr10:54,079,334, A>G on the plus strand (T>C on the coding strand, the complement: PCDH15 is on the minus strand). VCF-style: chr10-54079334-A-G. GRCh37 (hg19) VCF-style: chr10-55839094-A-G.
Other names: c.1977T>C, p.Asp659= (NM_001142767.2); c.2022T>C, p.Asp674= (NM_001142768.2, NM_001142773.2, NM_001354404.2); c.2124T>C, p.Asp708= (NM_001142769.4); c.2088T>C, p.Asp696= (NM_001142770.3, NM_001142772.2, NM_001354420.2 and 5 more transcripts); c.2103T>C, p.Asp701= (NM_001142771.2, NM_001142763.2); c.2109T>C, p.Asp703= (NM_001354411.2); c.1875T>C, p.Asp625= (NM_001142765.2); c.2088T>C (NM_033056.3).
Identifiers: ClinVar variation 2085695 (VCV002085695.5), dbSNP rs2094398369, ClinGen allele CA469493758.
Genomic context (GRCh38, chr10:54,079,334, plus strand): 5'-ACTCTCTCAGTTGCCTTAATACTATTTTTAAAACCCCTTCACAGGGAGCATACTCACCCC[A>G]TCTGGCCTGCCATCTGAAGCTGTGATGATCAGAATGTAGCGATCAGTGCTTTCCCTGTCC-3'
Protein context (NP_001371069.1, residues 686-706): LIITASDGRP[Asp696=]GTSTATVNIV

ClinVar aggregate classification (germline): Likely benign. Review status: criteria provided, multiple submitters, no conflicts (2 of 4 stars). 2 submissions from 2 submitters: Likely benign (2). Last evaluated 2025-06-16.

Conditions:
PCDH15-related disorder. Also called: PCDH15-related condition; PCDH15-related disorders.

Submissions (2):

PreventionGenetics, part of Exact Sciences
Classification: Likely benign for PCDH15-related condition. Last evaluated: 2025-06-16. Review status: criteria provided, single submitter. Criteria: ACMG Guidelines, 2015. Collection method: clinical testing. Allele origin: germline.
Comment: This variant is classified as likely benign based on ACMG/AMP sequence variant interpretation guidelines (Richards et al. 2015 PMID: 25741868, with internal and published modifications).

Labcorp Genetics (formerly Invitae), Labcorp
Classification: Likely benign. Last evaluated: 2025-01-18. Review status: criteria provided, single submitter. Criteria: Invitae Variant Classification Sherloc (09022015). Collection method: clinical testing. Allele origin: germline.